The following is an entry in ClinVar:

NM_006237.4(POU4F1):c.628A>G (p.Met210Val)

Genes: POU4F1 (POU class 4 homeobox 1; minus strand), OBI1-AS1 (OBI1 antisense RNA 1; plus strand). Cytogenetic location: 13q31.1.
Variant type: single nucleotide variant.
Coding change: c.628A>G on transcript NM_006237.4 (MANE Select); coding-DNA position 628, A replaced by G.
Protein change: p.Met210Val; replaces methionine 210 with valine.
Molecular consequence: missense variant.
Genome position (GRCh38, 1-based): chr13:78,602,047, T>C on the plus strand (A>G on the coding strand, the complement: POU4F1 is on the minus strand). VCF-style: chr13-78602047-T-C. GRCh37 (hg19) VCF-style: chr13-79176182-T-C.
Other names: short protein forms M210V.
Identifiers: ClinVar variation 4848206 (VCV004848206.1).
Genomic context (GRCh38, chr13:78,602,047, plus strand): 5'-CTGCCGCGCCGTGGTGCGCCGCCGCCGCCACCAGCCCGGGGTGCGGCAGCCCGGACGGCA[T>C]GTTCATGGCGGCCGCCGCCGCGGGGTGCGACAGGTGGCCCAGGCTGTGCATATGCGGGTG-3'
Protein context (NP_006228.3, residues 200-220): SHPAAAAAMN[Met210Val]PSGLPHPGLV

ClinVar aggregate classification (germline): Uncertain significance (1 of 4 stars; one submission).

Submission:

Women's Health and Genetics/Laboratory Corporation of America, LabCorp
Classification: Uncertain significance. Last evaluated: 2026-02-20. Review status: criteria provided, single submitter. Criteria: LabCorp Variant Classification Summary - May 2015. Collection method: clinical testing. Allele origin: germline.
Comment: Variant summary: POU4F1 c.628A>G (p.Met210Val) results in a conservative amino acid change in the encoded protein sequence. Algorithms developed to predict the effect of missense changes on protein structure and function are either unavailable or do not agree on the potential impact of this missense change. The variant was absent in 1006 control chromosomes. The available data on variant occurrences in the general population are insufficient to allow any conclusion about variant significance. To our knowledge, no occurrence of c.628A>G in individuals affected with POU4F1-related conditions and no experimental evidence demonstrating its impact on protein function have been reported. No submitters have cited clinical-significance assessments for this variant to ClinVar. Based on the evidence outlined above, the variant was classified as uncertain significance.